The following is an entry in ClinVar:

NM_001017995.3(SH3PXD2B):c.*2783A>G

Gene: SH3PXD2B (SH3 and PX domains 2B; minus strand). Cytogenetic location: 5q35.1.
Variant type: single nucleotide variant.
Coding change: c.*2783A>G on transcript NM_001017995.3 (MANE Select); 2783 bases downstream of the stop codon, A replaced by G.
Molecular consequence: 3 prime UTR variant. On other transcripts: intron variant (1).
Genome position (GRCh38, 1-based): chr5:172,335,586, T>C on the plus strand (A>G on the coding strand, the complement: SH3PXD2B is on the minus strand). VCF-style: chr5-172335586-T-C. GRCh37 (hg19) VCF-style: chr5-171762590-T-C.
Other names: c.1189-10206A>G (NM_001308175.2).
Identifiers: ClinVar variation 352756 (VCV000352756.5), dbSNP rs114303017, ClinGen allele CA10621291.

ClinVar aggregate classification (germline): Benign (1 of 4 stars; one submission).

Conditions:
Frank-Ter Haar syndrome. Also called: BORRONE DERMATOCARDIOSKELETAL SYNDROME; TER HAAR SYNDROME; MELNICK-NEEDLES SYNDROME, AUTOSOMAL RECESSIVE; Borrone di Rocco Crovato syndrome. Identifiers: Orphanet 1266, Orphanet 137834, MedGen C1855305, MONDO:0009579, OMIM 249420.

Allele frequency attached by ClinVar (database versions not stated): gnomAD exomes 0.00045; gnomAD 0.00522 and 0.00545; TOPMed 0.00583; 1000 Genomes Project 30x 0.00671; 1000 Genomes Project 0.00699.
gnomAD v4.1: 1,328 of 1,231,810 alleles (0.11%); highest among the groups gnomAD compares: African/African-American, 1.8%; 20 homozygotes.

Submission:

Illumina Laboratory Services, Illumina
Classification: Benign for Frank-Ter Haar syndrome. Last evaluated: 2018-01-13. Review status: criteria provided, single submitter. Criteria: ICSL Variant Classification Criteria 13 December 2019. Collection method: clinical testing. Allele origin: germline.
Comment: This variant was observed in the ICSL laboratory as part of a predisposition screen in an ostensibly healthy population. It had not been previously curated by ICSL or reported in the Human Gene Mutation Database (HGMD: prior to June 1st, 2018), and was therefore a candidate for classification through an automated scoring system. Utilizing variant allele frequency, disease prevalence and penetrance estimates, and inheritance mode, an automated score was calculated to assess if this variant is too frequent to cause the disease. Based on the score and internal cut-off values, a variant classified as benign is not then subjected to further curation. The score for this variant resulted in a classification of benign for this disease.